The following is an entry in ClinVar:

ClinVar aggregate classification (germline): Likely benign (1 of 4 stars; one submission).

Conditions:
Hypertrophic cardiomyopathy. Also called: HYPERTROPHIC MYOCARDIOPATHY. Identifiers: Orphanet 217569, MedGen C0007194, MeSH D002312, MONDO:0005045, HP:0001639.

Submission:

All of Us Research Program, National Institutes of Health
Classification: Likely benign for Hypertrophic cardiomyopathy. Last evaluated: 2023-11-02. Review status: criteria provided, single submitter. Criteria: ACMG Guidelines, 2015. Collection method: clinical testing. Allele origin: germline. Inheritance: Autosomal dominant inheritance. Observed: 1 variant allele, 1 heterozygote.
Comment: This study involves interpretation of variants in research participants for the purpose of population health screening. Participant phenotype was not available at the time of variant classification. Additional details can be found in publication PMID: 35346344, PMCID: PMC8962531

NM_005159.5(ACTC1):c.531C>A (p.Ile177=)

Genes: ACTC1 (actin alpha cardiac muscle 1; minus strand), GJD2-DT (GJD2 divergent transcript; plus strand). Cytogenetic location: 15q14.
Variant type: single nucleotide variant.
Coding change: c.531C>A on transcript NM_005159.5 (MANE Select); coding-DNA position 531, C replaced by A.
Protein change: p.Ile177=; no amino-acid change (isoleucine 177 retained).
Molecular consequence: synonymous variant.
Genome position (GRCh38, 1-based): chr15:34,792,493, G>T on the plus strand (C>A on the coding strand, the complement: ACTC1 is on the minus strand). VCF-style: chr15-34792493-G-T. GRCh37 (hg19) VCF-style: chr15-35084694-G-T.
Other names: c.531C>A, p.Ile177= (NM_001406482.1, NM_001406483.1); c.396C>A, p.Ile132= (NM_001406484.1); c.90C>A, p.Ile30= (NM_001406485.1).
Identifiers: ClinVar variation 3074269 (VCV003074269.1), dbSNP rs2504181020, ClinGen allele CA489655481.
Genomic context (GRCh38, chr15:34,792,493, plus strand): 5'-CTCAGTGAGGATCTTCATGAGGTAGTCAGTGAGGTCCCGACCAGCCAGATCCAGACGCAT[G>T]ATGGCATGGGGCAAAGCGTAGCCCTCATAGATGGGGACATTGTGAGTTACACCATCCCCA-3'
Protein context (NP_005150.1, residues 167-187): IYEGYALPHA[Ile177=]MRLDLAGRDL